The following is an entry in ClinVar:

ClinVar aggregate classification (germline): Uncertain significance (0 of 4 stars; one submission).

Conditions:
PLXNA1-related disorder. Also called: PLXNA1-related condition.

gnomAD v4.1: 2 of 1,611,644 alleles (0.00012%); highest among the groups gnomAD compares: Non-Finnish European, 0.00017%; no homozygotes.

Submission:

PreventionGenetics, part of Exact Sciences
Classification: Uncertain significance for PLXNA1-related condition. Last evaluated: 2024-02-06. Review status: no assertion criteria provided. Collection method: clinical testing. Allele origin: germline.
Comment: The PLXNA1 c.4039G>C variant is predicted to result in the amino acid substitution p.Val1347Leu. To our knowledge, this variant has not been reported in the literature. This variant is reported in 0.00089% of alleles in individuals of European (Non-Finnish) descent in gnomAD. At this time, the clinical significance of this variant is uncertain due to the absence of conclusive functional and genetic evidence.

NM_032242.4(PLXNA1):c.4039G>C (p.Val1347Leu)

Gene: PLXNA1 (plexin A1; plus strand). Cytogenetic location: 3q21.3.
Variant type: single nucleotide variant.
Coding change: c.4039G>C on transcript NM_032242.4 (MANE Select); coding-DNA position 4039, G replaced by C.
Protein change: p.Val1347Leu; replaces valine 1347 with leucine.
Molecular consequence: missense variant.
Genome position (GRCh38, 1-based): chr3:127,022,085, G>C. VCF-style: chr3-127022085-G-C. GRCh37 (hg19) VCF-style: chr3-126740928-G-C.
Other names: short protein forms V1347L.
Identifiers: ClinVar variation 3348229 (VCV003348229.1).